The following is an entry in ClinVar:

ClinVar aggregate classification (germline): Benign/Likely benign. Review status: criteria provided, multiple submitters, no conflicts (2 of 4 stars). 11 submissions from 10 submitters: Benign (8); Likely benign (3). Last evaluated 2026-02-02.

Conditions:
Spherocytosis. Identifiers: MedGen C0553720, HP:0004444.
Hereditary spherocytosis type 1. Also called: Spherocytosis type 1; ANK1-Related Spherocytosis. Identifiers: Orphanet 822, MedGen C2674218, MONDO:0008447, OMIM 182900.

Allele frequency attached by ClinVar (database versions not stated): 1000 Genomes Project 0.02256; 1000 Genomes Project 30x 0.02405; TOPMed 0.03904; gnomAD 0.04158 and 0.04301; ESP Exome Variant Server 0.04244; ExAC 0.04465; gnomAD exomes 0.04601 and 0.05445.
gnomAD v4.1: 85,463 of 1,613,864 alleles (5.3%); highest among the groups gnomAD compares: Admixed American, 6%; 2,633 homozygotes.

Submissions (11):

Labcorp Genetics (formerly Invitae), Labcorp
Classification: Benign. Last evaluated: 2026-02-02. Review status: criteria provided, single submitter. Criteria: Invitae Variant Classification Sherloc (09022015). Collection method: clinical testing. Allele origin: germline.

ARUP Laboratories, Molecular Genetics and Genomics, ARUP Laboratories
Classification: Benign for Hereditary spherocytosis type 1. Last evaluated: 2025-07-01. Review status: criteria provided, single submitter. Criteria: ARUP Molecular Germline Variant Investigation Process 2024. Collection method: clinical testing. Allele origin: germline.

Blueprint Genetics
Classification: Likely benign. Last evaluated: 2024-11-26. Review status: criteria provided, single submitter. Criteria: ACMG Guidelines, 2015. Collection method: clinical testing. Allele origin: germline.

Department of Pathology and Laboratory Medicine, Sinai Health System
Classification: Benign for Hereditary spherocytosis type 1. Last evaluated: 2023-01-18. Review status: criteria provided, single submitter. Criteria: ACMG Guidelines, 2015. Collection method: research. Allele origin: germline.

Mayo Clinic Laboratories, Mayo Clinic
Classification: Benign. Last evaluated: 2022-05-16. Review status: criteria provided, single submitter. Criteria: ACMG Guidelines, 2015. Collection method: clinical testing. Allele origin: germline. Observed: 174 variant alleles.
Comment: BA1, BP4, BP7

Genome-Nilou Lab
Classification: Benign for Hereditary spherocytosis type 1. Last evaluated: 2021-12-05. Review status: criteria provided, single submitter. Criteria: ACMG Guidelines, 2015. Collection method: clinical testing. Allele origin: germline. Affected: no.

GeneDx
Classification: Benign. Last evaluated: 2018-11-10. Review status: criteria provided, single submitter. Criteria: GeneDx Variant Classification Process June 2021. Collection method: clinical testing. Allele origin: germline. Affected: yes.

Illumina Laboratory Services, Illumina
Classification: Benign for Hereditary spherocytosis type 1. Last evaluated: 2018-01-12. Review status: criteria provided, single submitter. Criteria: ICSL Variant Classification Criteria 13 December 2019. Collection method: clinical testing. Allele origin: germline.
Comment: This variant was observed in the ICSL laboratory as part of a predisposition screen in an ostensibly healthy population. It had not been previously curated by ICSL or reported in the Human Gene Mutation Database (HGMD: prior to June 1st, 2018), and was therefore a candidate for classification through an automated scoring system. Utilizing variant allele frequency, disease prevalence and penetrance estimates, and inheritance mode, an automated score was calculated to assess if this variant is too frequent to cause the disease. Based on the score and internal cut-off values, a variant classified as benign is not then subjected to further curation. The score for this variant resulted in a classification of benign for this disease.

Illumina Laboratory Services, Illumina
Classification: Likely benign for Spherocytosis. Last evaluated: 2018-01-12. Review status: criteria provided, single submitter. Criteria: ICSL Variant Classification Criteria 13 December 2019. Collection method: clinical testing. Allele origin: germline.
Comment: This variant was observed in the ICSL laboratory as part of a predisposition screen in an ostensibly healthy population. It had not been previously curated by ICSL or reported in the Human Gene Mutation Database (HGMD: prior to June 1st, 2018), and was therefore a candidate for classification through an automated scoring system. Utilizing variant allele frequency, disease prevalence and penetrance estimates, and inheritance mode, an automated score was calculated to assess if this variant is too frequent to cause the disease. Based on the score and internal cut-off values, a variant classified as likely benign is not then subjected to further curation. The score for this variant resulted in a classification of likely benign for this disease.

Breakthrough Genomics
Classification: Likely benign. Review status: criteria provided, single submitter. Criteria: ACMG Guidelines, 2015. Collection method: not provided. Allele origin: germline. Inheritance: Autosomal dominant inheritance. Affected: yes.

PreventionGenetics, part of Exact Sciences
Classification: Benign. Review status: criteria provided, single submitter. Criteria: ACMG Guidelines, 2015. Collection method: clinical testing. Allele origin: germline.

NM_000037.4(ANK1):c.909+7A>G

Gene: ANK1 (ankyrin 1; minus strand). Cytogenetic location: 8p11.21.
Variant type: single nucleotide variant.
Coding change: c.909+7A>G on transcript NM_000037.4 (MANE Select); 7 bases into the intron after coding-DNA position 909, A replaced by G.
Molecular consequence: intron variant.
Genome position (GRCh38, 1-based): chr8:41,723,118, T>C on the plus strand (A>G on the coding strand, the complement: ANK1 is on the minus strand). VCF-style: chr8-41723118-T-C. GRCh37 (hg19) VCF-style: chr8-41580636-T-C.
Other names: p.?; c.1008+7A>G (NM_001142446.2); c.909+7A>G (NM_020477.3, NM_020475.3, NM_020476.3).
Identifiers: ClinVar variation 261322 (VCV000261322.34), dbSNP rs17661203, ClinGen allele CA4728815.